The following is an entry in ClinVar:

NM_000383.4(AIRE):c.1630C>A (p.Pro544Thr)

Gene: AIRE (autoimmune regulator; plus strand). Cytogenetic location: 21q22.3.
Variant type: single nucleotide variant.
Coding change: c.1630C>A on transcript NM_000383.4 (MANE Select); coding-DNA position 1630, C replaced by A.
Protein change: p.Pro544Thr; replaces proline 544 with threonine.
Molecular consequence: missense variant.
Genome position (GRCh38, 1-based): chr21:44,297,719, C>A. VCF-style: chr21-44297719-C-A. GRCh37 (hg19) VCF-style: chr21-45717602-C-A.
Other names: short protein forms P544T.
Identifiers: ClinVar variation 2145766 (VCV002145766.1), dbSNP rs1448197225, ClinGen allele CA410426334.

ClinVar aggregate classification (germline): Uncertain significance (1 of 4 stars; one submission).

Conditions:
Polyglandular autoimmune syndrome, type 1 (APS1). Also called: Autoimmune polyendocrinopathy syndrome , type I, with or without reversible metaphyseal dysplasia; HYPOADRENOCORTICISM WITH HYPOPARATHYROIDISM AND SUPERFICIAL MONILIASIS; PGA I; Autoimmune polyendocrine syndrome type 1; Autoimmune polyendocrinopathy syndrome, type I; AUTOIMMUNE POLYENDOCRINE SYNDROME, TYPE I, WITH OR WITHOUT REVERSIBLE METAPHYSEAL DYSPLASIA. Identifiers: Orphanet 3453, MedGen C0085859, MONDO:0009411, OMIM 240300.

Allele frequency attached by ClinVar (database versions not stated): gnomAD 0.00001; gnomAD exomes 0.00001.
gnomAD v4.1: 10 of 1,610,878 alleles (0.00062%); highest among the groups gnomAD compares: Admixed American, 0.0033%; no homozygotes.

Submission:

Labcorp Genetics (formerly Invitae), Labcorp
Classification: Uncertain significance for Polyglandular autoimmune syndrome, type 1. Last evaluated: 2022-05-29. Review status: criteria provided, single submitter. Criteria: Invitae Variant Classification Sherloc (09022015). Collection method: clinical testing. Allele origin: germline.
Comment: This sequence change replaces proline, which is neutral and non-polar, with threonine, which is neutral and polar, at codon 544 of the AIRE protein (p.Pro544Thr). This variant is present in population databases (no rsID available, gnomAD 0.003%). This variant has not been reported in the literature in individuals affected with AIRE-related conditions. Algorithms developed to predict the effect of missense changes on protein structure and function are either unavailable or do not agree on the potential impact of this missense change (SIFT: "Tolerated"; PolyPhen-2: "Possibly Damaging"; Align-GVGD: "Class C0"). In summary, the available evidence is currently insufficient to determine the role of this variant in disease. Therefore, it has been classified as a Variant of Uncertain Significance.